The following is an entry in ClinVar:

NM_003859.3(DPM1):c.38C>G (p.Ser13Cys)

Genes: DPM1 (dolichyl-phosphate mannosyltransferase subunit 1, catalytic; minus strand), LOC130066166 (ATAC-STARR-seq lymphoblastoid active region 18108; plus strand). Cytogenetic location: 20q13.13.
Variant type: single nucleotide variant.
Coding change: c.38C>G on transcript NM_003859.3 (MANE Select); coding-DNA position 38, C replaced by G.
Protein change: p.Ser13Cys; replaces serine 13 with cysteine.
Molecular consequence: missense variant. On other transcripts: non-coding transcript variant (1).
Genome position (GRCh38, 1-based): chr20:50,958,486, G>C on the plus strand (C>G on the coding strand, the complement: DPM1 is on the minus strand). VCF-style: chr20-50958486-G-C. GRCh37 (hg19) VCF-style: chr20-49575023-G-C.
Other names: c.38C>G, p.Ser13Cys (NM_001317034.1, NM_001317035.1, NM_001317036.1); c.38C>G (NM_003859.1); short protein forms S13C.
Identifiers: ClinVar variation 2162882 (VCV002162882.3), dbSNP rs202105751, ClinGen allele CA9909262.

ClinVar aggregate classification (germline): Uncertain significance. Review status: criteria provided, multiple submitters, no conflicts (2 of 4 stars). 2 submissions from 2 submitters: Uncertain significance (2). Last evaluated 2023-02-14.

Conditions:
Inborn genetic diseases. Identifiers: MedGen C0950123, MeSH D030342.
Congenital disorder of glycosylation type 1E (CDG1E). Also called: CONGENITAL DISORDER OF GLYCOSYLATION, TYPE Ie; CDG Ie. Identifiers: Orphanet 79322, MedGen C1837396, MONDO:0012123, OMIM 608799.

Allele frequency attached by ClinVar (database versions not stated): ExAC 0.00002; gnomAD exomes 0.00002; TOPMed 0.00002; gnomAD 0.00003; 1000 Genomes Project 30x 0.00016; 1000 Genomes Project 0.00020.
gnomAD v4.1: 31 of 1,613,918 alleles (0.0019%); highest among the groups gnomAD compares: Non-Finnish European, 0.0025%; no homozygotes.

Submissions (2):

Ambry Genetics
Classification: Uncertain significance for Inborn genetic diseases. Last evaluated: 2023-02-14. Review status: criteria provided, single submitter. Criteria: Ambry Variant Classification Scheme 2023. Collection method: clinical testing. Allele origin: germline.

Labcorp Genetics (formerly Invitae), Labcorp
Classification: Uncertain significance for Congenital disorder of glycosylation type 1E. Last evaluated: 2022-08-19. Review status: criteria provided, single submitter. Criteria: Invitae Variant Classification Sherloc (09022015). Collection method: clinical testing. Allele origin: germline.
Comment: This sequence change replaces serine, which is neutral and polar, with cysteine, which is neutral and slightly polar, at codon 13 of the DPM1 protein (p.Ser13Cys). This variant is present in population databases (rs202105751, gnomAD 0.007%). This variant has not been reported in the literature in individuals affected with DPM1-related conditions. Algorithms developed to predict the effect of missense changes on protein structure and function are either unavailable or do not agree on the potential impact of this missense change (SIFT: "Deleterious"; PolyPhen-2: "Not Available"; Align-GVGD: "Class C0"). In summary, the available evidence is currently insufficient to determine the role of this variant in disease. Therefore, it has been classified as a Variant of Uncertain Significance.